The following is an entry in ClinVar:

NM_014915.3(ANKRD26):c.1321G>T (p.Ala441Ser)

Gene: ANKRD26 (ankyrin repeat domain containing 26; minus strand). Cytogenetic location: 10p12.1.
Variant type: single nucleotide variant.
Coding change: c.1321G>T on transcript NM_014915.3 (MANE Select); coding-DNA position 1321, G replaced by T.
Protein change: p.Ala441Ser; replaces alanine 441 with serine.
Molecular consequence: missense variant.
Genome position (GRCh38, 1-based): chr10:27,064,030, C>A on the plus strand (G>T on the coding strand, the complement: ANKRD26 is on the minus strand). VCF-style: chr10-27064030-C-A. GRCh37 (hg19) VCF-style: chr10-27352959-C-A.
Other names: c.1321G>T, p.Ala441Ser (NM_001256053.2); short protein forms A441S.
Identifiers: ClinVar variation 3397197 (VCV003397197.1).

ClinVar aggregate classification (germline): Uncertain significance (1 of 4 stars; one submission).

Conditions:
Inborn genetic diseases. Identifiers: MedGen C0950123, MeSH D030342.

Submission:

Ambry Genetics
Classification: Uncertain significance for Inborn genetic diseases. Last evaluated: 2024-12-06. Review status: criteria provided, single submitter. Criteria: Ambry Variant Classification Scheme 2023. Collection method: clinical testing. Allele origin: germline.
Comment: The p.A441S variant (also known as c.1321G>T), located in coding exon 12 of the ANKRD26 gene, results from a G to T substitution at nucleotide position 1321. The alanine at codon 441 is replaced by serine, an amino acid with similar properties. This amino acid position is conserved. In addition, this alteration is predicted to be tolerated by in silico analysis. Based on the available evidence, the clinical significance of this variant remains unclear.